The following is an entry in ClinVar:

NM_004656.4(BAP1):c.1219G>A (p.Asp407Asn)

Gene: BAP1 (BRCA1 associated deubiquitinase 1; minus strand). Cytogenetic location: 3p21.1.
Variant type: single nucleotide variant.
Coding change: c.1219G>A on transcript NM_004656.4 (MANE Select); coding-DNA position 1219, G replaced by A.
Protein change: p.Asp407Asn; replaces aspartic acid 407 with asparagine.
Molecular consequence: missense variant.
Genome position (GRCh38, 1-based): chr3:52,404,484, C>T on the plus strand (G>A on the coding strand, the complement: BAP1 is on the minus strand). VCF-style: chr3-52404484-C-T. GRCh37 (hg19) VCF-style: chr3-52438500-C-T.
Other names: c.1219G>A (LRG_529t1); short protein forms D407N.
Identifiers: ClinVar variation 472663 (VCV000472663.34), dbSNP rs765347562, ClinGen allele CA2436868.

ClinVar aggregate classification (germline): Conflicting classifications of pathogenicity. Review status: criteria provided, conflicting classifications (1 of 4 stars). 10 submissions from 10 submitters: Uncertain significance (7); Likely benign (3). Last evaluated 2025-12-26.

Conditions:
BAP1-related disorder. Also called: BAP1-related condition.
Hereditary cancer-predisposing syndrome. Also called: Neoplastic Syndromes, Hereditary; Tumor predisposition; Hereditary Cancer Syndrome; Hereditary neoplastic syndrome. Identifiers: Orphanet 140162, MedGen C0027672, MeSH D009386, MONDO:0015356.
BAP1-related tumor predisposition syndrome (TPDS1). Also called: BAP1 tumor predisposition syndrome; COMMON Syndrome; TUMOR PREDISPOSITION SYNDROME 1; Tumor susceptibility linked to germline BAP1 mutations. Identifiers: Orphanet 289539, MedGen C3280492, MONDO:0013692, OMIM 614327.

Allele frequency attached by ClinVar (database versions not stated): gnomAD exomes 0.00002 and 0.00007; TOPMed 0.00002; gnomAD 0.00003; ExAC 0.00009.
gnomAD v4.1: 29 of 1,614,114 alleles (0.0018%); highest among the groups gnomAD compares: Non-Finnish European, 0.0025%; no homozygotes.

Submissions (10):

Color Diagnostics, LLC DBA Color Health
Classification: Uncertain significance for Hereditary cancer-predisposing syndrome. Last evaluated: 2025-12-26. Review status: criteria provided, single submitter. Criteria: ACMG Guidelines, 2015. Collection method: clinical testing. Allele origin: germline.
Comment: This missense variant replaces aspartic acid with asparagine at codon 407 of the BAP1 protein. Computational prediction suggests that this variant may not impact protein structure and function. To our knowledge, functional studies have not been reported for this variant. This variant has not been reported in individuals affected with BAP1-related disorders in the literature. This variant has been identified in 19/280318 chromosomes in the general population by the Genome Aggregation Database (gnomAD). The available evidence is insufficient to determine the role of this variant in disease conclusively. Therefore, this variant is classified as a Variant of Uncertain Significance.

GeneDx
Classification: Uncertain significance. Last evaluated: 2025-06-24. Review status: criteria provided, single submitter. Criteria: GeneDx Variant Classification Process June 2021. Collection method: clinical testing. Allele origin: germline. Affected: yes.
Comment: Has not been previously published as pathogenic or benign to our knowledge; In silico analysis suggests that this missense variant does not alter protein structure/function

Molecular Pathology, Peter Maccallum Cancer Centre
Classification: Uncertain significance for BAP1-related tumor predisposition syndrome. Last evaluated: 2025-03-28. Review status: criteria provided, single submitter. Criteria: ACMG Guidelines, 2015. Collection method: clinical testing. Allele origin: germline. Inheritance: Autosomal dominant inheritance.

Center for Genomic Medicine, Rigshospitalet, Copenhagen University Hospital
Classification: Uncertain significance. Last evaluated: 2025-03-04. Review status: criteria provided, single submitter. Criteria: ACMG Guidelines, 2015. Collection method: clinical testing. Allele origin: germline.

Labcorp Genetics (formerly Invitae), Labcorp
Classification: Uncertain significance for BAP1-related tumor predisposition syndrome. Last evaluated: 2025-01-16. Review status: criteria provided, single submitter. Criteria: Invitae Variant Classification Sherloc (09022015). Collection method: clinical testing. Allele origin: germline.
Comment: This sequence change replaces aspartic acid, which is acidic and polar, with asparagine, which is neutral and polar, at codon 407 of the BAP1 protein (p.Asp407Asn). This variant is present in population databases (rs765347562, gnomAD 0.01%). This variant has not been reported in the literature in individuals affected with BAP1-related conditions. ClinVar contains an entry for this variant (Variation ID: 472663). Invitae Evidence Modeling of protein sequence and biophysical properties (such as structural, functional, and spatial information, amino acid conservation, physicochemical variation, residue mobility, and thermodynamic stability) indicates that this missense variant is not expected to disrupt BAP1 protein function with a negative predictive value of 80%. In summary, the available evidence is currently insufficient to determine the role of this variant in disease. Therefore, it has been classified as a Variant of Uncertain Significance.

Myriad Genetics, Inc.
Classification: Likely benign for BAP1-related tumor predisposition syndrome. Last evaluated: 2024-07-16. Review status: criteria provided, single submitter. Criteria: Myriad Autosomal Dominant, Autosomal Recessive and X-Linked Classification Criteria (2023). Collection method: clinical testing. Allele origin: unknown.
Comment: This variant is considered likely benign. This variant has been observed at a population frequency that is significantly greater than expected given the associated disease prevalence and penetrance.

PreventionGenetics, part of Exact Sciences
Classification: Uncertain significance for BAP1-related condition. Last evaluated: 2023-05-17. Review status: criteria provided, single submitter. Criteria: ACMG Guidelines, 2015. Collection method: clinical testing. Allele origin: germline.
Comment: The BAP1 c.1219G>A variant is predicted to result in the amino acid substitution p.Asp407Asn. To our knowledge, this variant has not been reported in the literature. This variant is reported in 0.014% of alleles in individuals of European (Non-Finnish) descent in gnomAD and has conflicting interpretations of likely benign and uncertain significance in ClinVar. At this time, the clinical significance of this variant is uncertain due to the absence of conclusive functional and genetic evidence.

Clinical Genetics Laboratory, Skane University Hospital Lund
Classification: Likely benign. Last evaluated: 2022-10-14. Review status: criteria provided, single submitter. Criteria: ACMG Guidelines, 2015. Collection method: clinical testing. Allele origin: germline. Affected: yes.

Ambry Genetics
Classification: Likely benign for Hereditary cancer-predisposing syndrome. Last evaluated: 2021-11-11. Review status: criteria provided, single submitter. Criteria: Ambry Variant Classification Scheme 2023. Collection method: clinical testing. Allele origin: germline.

Genetic Services Laboratory, University of Chicago
Classification: Uncertain significance. Last evaluated: 2021-04-21. Review status: criteria provided, single submitter. Criteria: ACMG Guidelines, 2015. Collection method: clinical testing. Allele origin: germline. Affected: no.
Comment: DNA sequence analysis of the BAP1 gene demonstrated a sequence change, c.1219G>A, in exon 12 that results in an amino acid change, p.Asp407Asn. This sequence change has been described in gnomAD with a population frequency of 0.014% in the Non-Finnish European sub-population (dbSNP rs765347562). The p.Asp407Asn change affects a poorly conserved amino acid residue located in a domain of the BAP1 protein that is not known to be functional. In-silico pathogenicity prediction tools (SIFT, PolyPhen2, Align GVGD, REVEL) provide contradictory results for the p.Asp407Asn substitution. This sequence change does not appear to have been previously described in patients with BAP1-related disorders. Due to the lack of sufficient evidences, the clinical significance of the p.Asp407Asn change remains unknown at this time.